The following is an entry in ClinVar:

NM_001287349.3(ZNF852):c.1278C>T (p.Leu426=)

Gene: ZNF852 (zinc finger protein 852; minus strand). Cytogenetic location: 3p21.31.
Variant type: single nucleotide variant.
Coding change: c.1278C>T on transcript NM_001287349.3; coding-DNA position 1278, C replaced by T.
Protein change: p.Leu426=; no amino-acid change (leucine 426 retained).
Molecular consequence: synonymous variant.
Genome position (GRCh38, 1-based): chr3:44,499,499, G>A on the plus strand (C>T on the coding strand, the complement: ZNF852 is on the minus strand). VCF-style: chr3-44499499-G-A. GRCh37 (hg19) VCF-style: chr3-44540991-G-A.
Other names: c.1278C>T, p.Leu426= (NM_001423469.1); c.1281C>T, p.Leu427= (NM_001423470.1, NM_001423484.1).
Identifiers: ClinVar variation 2653722 (VCV002653722.24), dbSNP rs747143478, ClinGen allele CA2343058.

ClinVar aggregate classification (germline): Likely benign (1 of 4 stars; one submission).

Allele frequency attached by ClinVar (database versions not stated): gnomAD 0.00001; gnomAD exomes 0.00001; TOPMed 0.00001; ExAC 0.00002.

Submission:

CeGaT Center for Human Genetics Tuebingen
Classification: Likely benign. Last evaluated: 2023-03-01. Review status: criteria provided, single submitter. Criteria: CeGaT Center For Human Genetics Tuebingen Variant Classification Criteria Version 2. Collection method: clinical testing. Allele origin: germline. Affected: yes. Observed: 1 variant allele.
Comment: ZNF852: BP4, BP7